The following is an entry in ClinVar:

NM_004638.4(PRRC2A):c.6016C>T (p.Pro2006Ser)

Gene: PRRC2A (proline rich coiled-coil 2A; plus strand). Cytogenetic location: 6p21.33.
Variant type: single nucleotide variant.
Coding change: c.6016C>T on transcript NM_004638.4 (MANE Select); coding-DNA position 6016, C replaced by T.
Protein change: p.Pro2006Ser; replaces proline 2006 with serine.
Molecular consequence: missense variant.
Genome position (GRCh38, 1-based): chr6:31,636,814, C>T. VCF-style: chr6-31636814-C-T. GRCh37 (hg19) VCF-style: chr6-31604591-C-T.
Other names: c.6016C>T, p.Pro2006Ser (NM_080686.3); short protein forms P2006S.
Identifiers: ClinVar variation 3058971 (VCV003058971.2), dbSNP rs10885, ClinGen allele CA3716713.
Genomic context (GRCh38, chr6:31,636,814, plus strand): 5'-TCACAGCTGCCTGTGGTGAACTTTGGCTCCCTGCCGCCAGCACCACCTCCTGCCCCACCT[C>T]CCCTTTCTCTGTTACCTGTGGGCCCTGCTCTGCAGCCCCCCAGCCTGGCTGTGCGGCCCC-3'
Protein context (NP_004629.3, residues 1996-2016): LPPAPPPAPP[Pro2006Ser]LSLLPVGPAL

ClinVar aggregate classification (germline): Benign (0 of 4 stars; one submission).

Conditions:
PRRC2A-related disorder. Also called: PRRC2A-related condition.

Allele frequency attached by ClinVar (database versions not stated): 1000 Genomes Project 0.13339; 1000 Genomes Project 30x 0.13492; ExAC 0.14932; TOPMed 0.16608; gnomAD 0.16880; gnomAD exomes 0.17664; ESP Exome Variant Server 0.18332.

Submission:

PreventionGenetics, part of Exact Sciences
Classification: Benign for PRRC2A-related condition. Last evaluated: 2019-10-21. Review status: no assertion criteria provided. Collection method: clinical testing. Allele origin: germline.
Comment: This variant is classified as benign based on ACMG/AMP sequence variant interpretation guidelines (Richards et al. 2015 PMID: 25741868, with internal and published modifications).